The following is an entry in ClinVar:

ClinVar aggregate classification (germline): Uncertain significance (1 of 4 stars; one submission).

Allele frequency attached by ClinVar (database versions not stated): gnomAD exomes below 0.00001; ExAC 0.00001.
gnomAD v4.1: 1 of 1,610,650 alleles (0.000062%); highest among the groups gnomAD compares: South Asian, 0.0011%; no homozygotes.

Submission:

Labcorp Genetics (formerly Invitae), Labcorp
Classification: Uncertain significance. Last evaluated: 2022-03-10. Review status: criteria provided, single submitter. Criteria: Invitae Variant Classification Sherloc (09022015). Collection method: clinical testing. Allele origin: germline.
Comment: This sequence change falls in intron 4 of the MAPKAPK3 gene. It does not directly change the encoded amino acid sequence of the MAPKAPK3 protein. This variant is present in population databases (rs751453467, gnomAD 0.003%). This variant has not been reported in the literature in individuals affected with MAPKAPK3-related conditions. Algorithms developed to predict the effect of sequence changes on RNA splicing suggest that this variant may disrupt the consensus splice site. In summary, the available evidence is currently insufficient to determine the role of this variant in disease. Therefore, it has been classified as a Variant of Uncertain Significance.

NM_001243925.2(MAPKAPK3):c.220-11C>G

Gene: MAPKAPK3 (MAPK activated protein kinase 3; plus strand). Cytogenetic location: 3p21.2.
Variant type: single nucleotide variant.
Coding change: c.220-11C>G on transcript NM_001243925.2 (MANE Select); 11 bases into the intron before coding-DNA position 220, C replaced by G.
Molecular consequence: intron variant.
Genome position (GRCh38, 1-based): chr3:50,640,355, C>G. VCF-style: chr3-50640355-C-G. GRCh37 (hg19) VCF-style: chr3-50677786-C-G.
Other names: c.220-11C>G (NM_001243926.2, NM_004635.5).
Identifiers: ClinVar variation 1375613 (VCV001375613.8), dbSNP rs751453467, ClinGen allele CA2420197.